The following is an entry in ClinVar:

NM_005612.5(REST):c.2193G>A (p.Met731Ile)

Gene: REST (RE1 silencing transcription factor; plus strand). Cytogenetic location: 4q12.
Variant type: single nucleotide variant.
Coding change: c.2193G>A on transcript NM_005612.5 (MANE Select); coding-DNA position 2193, G replaced by A.
Protein change: p.Met731Ile; replaces methionine 731 with isoleucine.
Molecular consequence: missense variant.
Genome position (GRCh38, 1-based): chr4:56,931,051, G>A. VCF-style: chr4-56931051-G-A. GRCh37 (hg19) VCF-style: chr4-57797217-G-A.
Other names: c.2193G>A, p.Met731Ile (NM_001193508.2, NM_001363453.3); short protein forms M731I.
Identifiers: ClinVar variation 2888138 (VCV002888138.4), dbSNP rs766722655, ClinGen allele CA2932428.

ClinVar aggregate classification (germline): Uncertain significance. Review status: criteria provided, multiple submitters, no conflicts (2 of 4 stars). 2 submissions from 2 submitters: Uncertain significance (2). Last evaluated 2026-10-01.

Conditions:
Wilms tumor 6 (WT6). Also called: WILMS TUMOR 6, SUSCEPTIBILITY TO. Identifiers: Orphanet 654, MedGen C3891301, MONDO:0014779, OMIM 616806.

Allele frequency attached by ClinVar (database versions not stated): gnomAD exomes below 0.00001; ExAC 0.00001.
gnomAD v4.1: 7 of 1,613,740 alleles (0.00043%); highest among the groups gnomAD compares: East Asian, 0.011%; no homozygotes.

Submissions (2):

St. Jude Molecular Pathology, St. Jude Children's Research Hospital
Classification: Uncertain significance for Wilms tumor 6. Last evaluated: 2026-10-01. Review status: criteria provided, single submitter. Criteria: St. Jude Assertion Criteria 2020. Collection method: clinical testing. Allele origin: germline.
Comment: The REST c.2193G>A p.(Met731Ile) missense change has a maximum subpopulation frequency of 0.003% in gnomAD v2.1.1. The in silico tool REVEL predicts a benign effect on protein function, but to our knowledge this prediction has not been confirmed by functional studies. To our knowledge, this variant has not been reported in individuals with Wilms tumor. I n summary, the evidence currently available is insufficient to determine the clinical significance of this variant. It has therefore been classified as of uncertain significance.

Labcorp Genetics (formerly Invitae), Labcorp
Classification: Uncertain significance. Last evaluated: 2023-12-27. Review status: criteria provided, single submitter. Criteria: Invitae Variant Classification Sherloc (09022015). Collection method: clinical testing. Allele origin: germline.
Comment: This sequence change replaces methionine, which is neutral and non-polar, with isoleucine, which is neutral and non-polar, at codon 731 of the REST protein (p.Met731Ile). This variant is present in population databases (rs766722655, gnomAD 0.006%). This variant has not been reported in the literature in individuals affected with REST-related conditions. An algorithm developed to predict the effect of missense changes on protein structure and function (PolyPhen-2) suggests that this variant is likely to be tolerated. In summary, the available evidence is currently insufficient to determine the role of this variant in disease. Therefore, it has been classified as a Variant of Uncertain Significance.